The following is an entry in ClinVar:

ClinVar aggregate classification (germline): Uncertain significance. Review status: criteria provided, multiple submitters, no conflicts (2 of 4 stars). 3 submissions from 2 submitters: Uncertain significance (3). Last evaluated 2024-11-05.

Conditions:
Epilepsy, familial focal, with variable foci 4 (FFEVF4). Identifiers: MedGen C4693694, MONDO:0054776, OMIM 617935.
Developmental and epileptic encephalopathy, 62. Also called: Early infantile epileptic encephalopathy 62. Identifiers: MedGen C4693699, MONDO:0033371, OMIM 617938.

Allele frequency attached by ClinVar (database versions not stated): gnomAD exomes below 0.00001; TOPMed below 0.00001.
gnomAD v4.1: 1 of 1,614,196 alleles (0.000062%); highest among the groups gnomAD compares: Admixed American, 0.0017%; no homozygotes.

Submissions (3):

Labcorp Genetics (formerly Invitae), Labcorp
Classification: Uncertain significance. Last evaluated: 2024-11-05. Review status: criteria provided, single submitter. Criteria: Invitae Variant Classification Sherloc (09022015). Collection method: clinical testing. Allele origin: germline.
Comment: This sequence change replaces serine, which is neutral and polar, with glycine, which is neutral and non-polar, at codon 1078 of the SCN3A protein (p.Ser1078Gly). This variant is present in population databases (no rsID available, gnomAD 0.003%). This variant has not been reported in the literature in individuals affected with SCN3A-related conditions. ClinVar contains an entry for this variant (Variation ID: 403872). Invitae Evidence Modeling of protein sequence and biophysical properties (such as structural, functional, and spatial information, amino acid conservation, physicochemical variation, residue mobility, and thermodynamic stability) indicates that this missense variant is not expected to disrupt SCN3A protein function with a negative predictive value of 95%. In summary, the available evidence is currently insufficient to determine the role of this variant in disease. Therefore, it has been classified as a Variant of Uncertain Significance.

Baylor Genetics
Classification: Uncertain significance for Epilepsy, familial focal, with variable foci 4. Last evaluated: 2022-11-01. Review status: criteria provided, single submitter. Criteria: ACMG Guidelines, 2015. Collection method: clinical testing. Allele origin: unknown.

Baylor Genetics
Classification: Uncertain significance for Developmental and epileptic encephalopathy, 62. Last evaluated: 2022-11-01. Review status: criteria provided, single submitter. Criteria: ACMG Guidelines, 2015. Collection method: clinical testing. Allele origin: unknown.

NM_006922.4(SCN3A):c.3232A>G (p.Ser1078Gly)

Gene: SCN3A (sodium voltage-gated channel alpha subunit 3; minus strand). Cytogenetic location: 2q24.3.
Variant type: single nucleotide variant.
Coding change: c.3232A>G on transcript NM_006922.4 (MANE Select); coding-DNA position 3232, A replaced by G.
Protein change: p.Ser1078Gly; replaces serine 1078 with glycine.
Molecular consequence: missense variant.
Genome position (GRCh38, 1-based): chr2:165,127,792, T>C on the plus strand (A>G on the coding strand, the complement: SCN3A is on the minus strand). VCF-style: chr2-165127792-T-C. GRCh37 (hg19) VCF-style: chr2-165984302-T-C.
Other names: c.3085A>G, p.Ser1029Gly (NM_001081676.2, NM_001081677.2); short protein forms S1078G, S1029G.
Identifiers: ClinVar variation 403872 (VCV000403872.9), dbSNP rs1060500006, ClinGen allele CA16610180.